The following is an entry in ClinVar:

ClinVar aggregate classification (germline): Likely benign. Review status: criteria provided, multiple submitters, no conflicts (2 of 4 stars). 4 submissions from 4 submitters: Likely benign (3). 1 of the submissions does not count toward it. Last evaluated 2025-07-14.

Conditions:
Hereditary cancer-predisposing syndrome. Also called: Neoplastic Syndromes, Hereditary; Hereditary neoplastic syndrome; Tumor predisposition; Hereditary Cancer Syndrome. Identifiers: Orphanet 140162, MedGen C0027672, MeSH D009386, MONDO:0015356.
NBN-related disorder. Also called: NBN-related condition.
Microcephaly, normal intelligence and immunodeficiency (NBS). Also called: Immunodeficiency, microcephaly with normal intelligence; Ataxia telangiectasia variant V1; IMMUNODEFICIENCY, MICROCEPHALY, AND CHROMOSOMAL INSTABILITY; BERLIN BREAKAGE SYNDROME; SEEMANOVA SYNDROME II; Nijmegen breakage syndrome. Identifiers: Orphanet 647, MedGen C0398791, MONDO:0009623, OMIM 251260.

gnomAD v4.1: 1 of 1,573,790 alleles (0.000064%); highest among the groups gnomAD compares: Non-Finnish European, 0.000087%; no homozygotes.

Submissions (4):

Labcorp Genetics (formerly Invitae), Labcorp
Classification: Likely benign for Microcephaly, normal intelligence and immunodeficiency. Last evaluated: 2025-07-14. Review status: criteria provided, single submitter. Criteria: Invitae Variant Classification Sherloc (09022015). Collection method: clinical testing. Allele origin: germline.

Color Diagnostics, LLC DBA Color Health
Classification: Likely benign for Hereditary cancer-predisposing syndrome. Last evaluated: 2018-12-10. Review status: criteria provided, single submitter. Criteria: ACMG Guidelines, 2015. Collection method: clinical testing. Allele origin: germline.

Ambry Genetics
Classification: Likely benign for Hereditary cancer-predisposing syndrome. Last evaluated: 2015-12-24. Review status: criteria provided, single submitter. Criteria: Ambry Variant Classification Scheme 2023. Collection method: clinical testing. Allele origin: germline.

PreventionGenetics, part of Exact Sciences
Classification: Likely benign for NBN-related condition. Last evaluated: 2019-10-31. Review status: no assertion criteria provided. Collection method: clinical testing. Allele origin: germline. Not counted in ClinVar's aggregate classification.
Comment: This variant is classified as likely benign based on ACMG/AMP sequence variant interpretation guidelines (Richards et al. 2015 PMID: 25741868, with internal and published modifications).

NM_002485.5(NBN):c.1902T>C (p.Ala634=)

Genes: NBN (nibrin; minus strand), LOC126860438 (MED14-independent group 3 enhancer GRCh37_chr8:90959982-90961181; plus strand). Cytogenetic location: 8q21.3.
Variant type: single nucleotide variant.
Coding change: c.1902T>C on transcript NM_002485.5 (MANE Select); coding-DNA position 1902, T replaced by C.
Protein change: p.Ala634=; no amino-acid change (alanine 634 retained).
Molecular consequence: synonymous variant.
Genome position (GRCh38, 1-based): chr8:89,947,836, A>G on the plus strand (T>C on the coding strand, the complement: NBN is on the minus strand). VCF-style: chr8-89947836-A-G. GRCh37 (hg19) VCF-style: chr8-90960064-A-G.
Other names: c.1656T>C, p.Ala552= (NM_001024688.3).
Identifiers: ClinVar variation 530770 (VCV000530770.17), dbSNP rs876660052, ClinGen allele CA461839077.
Genomic context (GRCh38, chr8:89,947,836, plus strand): 5'-AGTCCCCGTAAGCCAAATCTGTATAAAAATTAATAAAACGTTTCTCACAGATATTTCTTT[A>G]GCTGACCATAGTGAGTCTTCCTTGAGTTCACGTTTCTTCCCAATTTCATTTTCTTGCTAA-3'
Protein context (NP_002476.2, residues 624-644): RELKEDSLWS[Ala634=]KEISNNDKLQ